The following is an entry in ClinVar:

ClinVar aggregate classification (germline): Uncertain significance (1 of 4 stars; one submission).

Conditions:
Bardet-Biedl syndrome (BBS). Identifiers: Orphanet 110, MedGen C0752166, MONDO:0015229.

Allele frequency attached by ClinVar (database versions not stated): gnomAD exomes below 0.00001.
gnomAD v4.1: 2 of 1,610,998 alleles (0.00012%); highest among the groups gnomAD compares: South Asian, 0.0022%; no homozygotes.

Submission:

Labcorp Genetics (formerly Invitae), Labcorp
Classification: Uncertain significance for Bardet-Biedl syndrome. Last evaluated: 2019-11-07. Review status: criteria provided, single submitter. Criteria: Invitae Variant Classification Sherloc (09022015). Collection method: clinical testing. Allele origin: germline.
Comment: This sequence change falls in intron 22 of the BBS9 gene. It does not directly change the encoded amino acid sequence of the BBS9 protein, but it affects a nucleotide within the consensus splice site of the intron. In summary, the available evidence is currently insufficient to determine the role of this variant in disease. Therefore, it has been classified as a Variant of Uncertain Significance. Nucleotide substitutions within the consensus splice site are a relatively common cause of aberrant splicing (PMID: 17576681, 9536098). Algorithms developed to predict the effect of sequence changes on RNA splicing suggest that this variant may disrupt the consensus splice site, but this prediction has not been confirmed by published transcriptional studies. This variant has not been reported in the literature in individuals with BBS9-related conditions. This variant is not present in population databases (ExAC no frequency).

Literature cited by the submitters: PubMed 17576681; PubMed 9536098.

NM_198428.3(BBS9):c.2633-3C>G

Gene: BBS9 (Bardet-Biedl syndrome 9; plus strand). Cytogenetic location: 7p14.3.
Variant type: single nucleotide variant.
Coding change: c.2633-3C>G on transcript NM_198428.3 (MANE Select); 3 bases into the intron before coding-DNA position 2633, C replaced by G.
Molecular consequence: intron variant.
Genome position (GRCh38, 1-based): chr7:33,605,192, C>G. VCF-style: chr7-33605192-C-G. GRCh37 (hg19) VCF-style: chr7-33644804-C-G.
Other names: c.2633-3C>G (NM_001348036.1); c.2522-29985C>G (NM_001362679.1); c.2632+217C>G (NM_001348041.4); c.2360-3C>G (NM_001348038.3); c.2255-3C>G (NM_001348039.3); c.2633-6C>G (NM_001348043.3); c.2618-3C>G (NM_001033605.2); c.2528-3C>G (NM_001033604.2); and 6 more.
Identifiers: ClinVar variation 958182 (VCV000958182.7), dbSNP rs1422030068, ClinGen allele CA573762441.